The following is an entry in ClinVar:

ClinVar aggregate classification (germline): Uncertain significance. Review status: criteria provided, multiple submitters, no conflicts (2 of 4 stars). 2 submissions from 2 submitters: Uncertain significance (2). Last evaluated 2025-06-17.

Conditions:
Familial hemophagocytic lymphohistiocytosis 2 (FHL2). Also called: PRF1-Related Familial Hemophagocytic Lymphohistiocytosis (PRF1-fHLH). Identifiers: Orphanet 540, MedGen C1863727, MONDO:0011337, OMIM 603553.
Inborn genetic diseases. Identifiers: MedGen C0950123, MeSH D030342.

Allele frequency attached by ClinVar (database versions not stated): ESP Exome Variant Server 0.00008; TOPMed 0.00001.

Submissions (2):

Ambry Genetics
Classification: Uncertain significance for Inborn genetic diseases. Last evaluated: 2025-06-17. Review status: criteria provided, single submitter. Criteria: Ambry Variant Classification Scheme 2023. Collection method: clinical testing. Allele origin: germline.

Labcorp Genetics (formerly Invitae), Labcorp
Classification: Uncertain significance for Familial hemophagocytic lymphohistiocytosis 2. Last evaluated: 2021-08-28. Review status: criteria provided, single submitter. Criteria: Invitae Variant Classification Sherloc (09022015). Collection method: clinical testing. Allele origin: germline.
Comment: This sequence change replaces glycine with glutamic acid at codon 476 of the PRF1 protein (p.Gly476Glu). The glycine residue is moderately conserved and there is a moderate physicochemical difference between glycine and glutamic acid. This variant is present in population databases (rs377665096, ExAC 0.003%). This variant has not been reported in the literature in individuals affected with PRF1-related conditions. Algorithms developed to predict the effect of missense changes on protein structure and function (SIFT, PolyPhen-2, Align-GVGD) all suggest that this variant is likely to be tolerated. In summary, the available evidence is currently insufficient to determine the role of this variant in disease. Therefore, it has been classified as a Variant of Uncertain Significance.

NM_001083116.3(PRF1):c.1427G>A (p.Gly476Glu)

Gene: PRF1 (perforin 1; minus strand). Cytogenetic location: 10q22.1.
Variant type: single nucleotide variant.
Coding change: c.1427G>A on transcript NM_001083116.3 (MANE Select); coding-DNA position 1427, G replaced by A.
Protein change: p.Gly476Glu; replaces glycine 476 with glutamic acid.
Molecular consequence: missense variant.
Genome position (GRCh38, 1-based): chr10:70,598,294, C>T on the plus strand (G>A on the coding strand, the complement: PRF1 is on the minus strand). VCF-style: chr10-70598294-C-T. GRCh37 (hg19) VCF-style: chr10-72358050-C-T.
Other names: c.1427G>A, p.Gly476Glu (NM_005041.6); short protein forms G476E.
Identifiers: ClinVar variation 536218 (VCV000536218.9), dbSNP rs377665096, ClinGen allele CA5538747.
Genomic context (GRCh38, chr10:70,598,294, plus strand): 5'-GTGCCAAGGAGGTCATCGTCCCTGCCAGAGTCCTGATCCCAGACCTGCAACCTCAGGGGC[C>T]CCCCTGTGGCCAGGAGCACATCCCCAAAATCCAGCCGCACTGACCAGATGGGGTTGTTAT-3'
Protein context (NP_001076585.1, residues 466-486): DFGDVLLATG[Gly476Glu]PLRLQVWDQD